The following is an entry in ClinVar:

NM_194248.3(OTOF):c.4840C>T (p.Gln1614Ter)

Gene: OTOF (otoferlin; minus strand). Cytogenetic location: 2p23.3.
Variant type: single nucleotide variant.
Coding change: c.4840C>T on transcript NM_194248.3 (MANE Select); coding-DNA position 4840, C replaced by T.
Protein change: p.Gln1614Ter; replaces glutamine 1614 with a stop codon.
Molecular consequence: nonsense.
Genome position (GRCh38, 1-based): chr2:26,464,989, G>A on the plus strand (C>T on the coding strand, the complement: OTOF is on the minus strand). VCF-style: chr2-26464989-G-A. GRCh37 (hg19) VCF-style: chr2-26687857-G-A.
Other names: c.4840C>T, p.Gln1614Ter (NM_001287489.2); c.2539C>T, p.Gln847Ter (NM_004802.4, NM_194323.3); c.2770C>T, p.Gln924Ter (NM_194322.3); short protein forms Q1614*, Q847*, Q924*.
Identifiers: ClinVar variation 3642744 (VCV003642744.2).

ClinVar aggregate classification (germline): Pathogenic (1 of 4 stars; one submission).

gnomAD v4.1: 1 of 1,522,624 alleles (0.000066%); highest among the groups gnomAD compares: Non-Finnish European, 0.000089%; no homozygotes.

Submission:

Labcorp Genetics (formerly Invitae), Labcorp
Classification: Pathogenic. Last evaluated: 2024-02-23. Review status: criteria provided, single submitter. Criteria: Invitae Variant Classification Sherloc (09022015). Collection method: clinical testing. Allele origin: germline.
Comment: This sequence change creates a premature translational stop signal (p.Gln1614*) in the OTOF gene. It is expected to result in an absent or disrupted protein product. Loss-of-function variants in OTOF are known to be pathogenic (PMID: 18381613, 19250381, 22575033). This variant is not present in population databases (gnomAD no frequency). This variant has not been reported in the literature in individuals affected with OTOF-related conditions. For these reasons, this variant has been classified as Pathogenic.

Literature cited by the submitters: PubMed 18381613; PubMed 19250381; PubMed 22575033.